The following is an entry in ClinVar:

ClinVar aggregate classification (germline): Uncertain significance (1 of 4 stars; one submission).

Conditions:
Congenital myasthenic syndrome 8. Also called: MYASTHENIC SYNDROME, CONGENITAL, DUE TO AGRIN DEFICIENCY; Myasthenic syndrome, congenital, 8, with pre- and postsynaptic defects. Identifiers: Orphanet 590, MedGen C3808739, MONDO:0014052, OMIM 615120.

Allele frequency attached by ClinVar (database versions not stated): gnomAD exomes below 0.00001; TOPMed below 0.00001.
gnomAD v4.1: 5 of 1,598,330 alleles (0.00031%); highest among the groups gnomAD compares: African/African-American, 0.004%; no homozygotes.

Submission:

Labcorp Genetics (formerly Invitae), Labcorp
Classification: Uncertain significance for Congenital myasthenic syndrome 8. Last evaluated: 2022-08-16. Review status: criteria provided, single submitter. Criteria: Invitae Variant Classification Sherloc (09022015). Collection method: clinical testing. Allele origin: germline.
Comment: This sequence change falls in intron 19 of the AGRN gene. It does not directly change the encoded amino acid sequence of the AGRN protein. It affects a nucleotide within the consensus splice site. This variant is not present in population databases (gnomAD no frequency). This variant has not been reported in the literature in individuals affected with AGRN-related conditions. ClinVar contains an entry for this variant (Variation ID: 858301). Variants that disrupt the consensus splice site are a relatively common cause of aberrant splicing (PMID: 17576681, 9536098). Algorithms developed to predict the effect of sequence changes on RNA splicing suggest that this variant may create or strengthen a splice site. In summary, the available evidence is currently insufficient to determine the role of this variant in disease. Therefore, it has been classified as a Variant of Uncertain Significance.

Literature cited by the submitters: PubMed 17576681; PubMed 9536098.

NM_198576.4(AGRN):c.3389-3C>T

Gene: AGRN (agrin; plus strand). Cytogenetic location: 1p36.33.
Variant type: single nucleotide variant.
Coding change: c.3389-3C>T on transcript NM_198576.4 (MANE Select); 3 bases into the intron before coding-DNA position 3389, C replaced by T.
Molecular consequence: intron variant.
Genome position (GRCh38, 1-based): chr1:1,047,324, C>T. VCF-style: chr1-1047324-C-T. GRCh37 (hg19) VCF-style: chr1-982704-C-T.
Other names: c.3389-3C>T (NM_001305275.2); c.3074-3C>T (NM_001364727.2).
Identifiers: ClinVar variation 858301 (VCV000858301.9), dbSNP rs1350989602, ClinGen allele CA884896980.